The following is an entry in ClinVar:

NM_182961.4(SYNE1):c.12411C>T (p.His4137=)

Gene: SYNE1 (spectrin repeat containing nuclear envelope protein 1; minus strand). Cytogenetic location: 6q25.2.
Variant type: single nucleotide variant.
Coding change: c.12411C>T on transcript NM_182961.4 (MANE Select); coding-DNA position 12411, C replaced by T.
Protein change: p.His4137=; no amino-acid change (histidine 4137 retained).
Molecular consequence: synonymous variant.
Genome position (GRCh38, 1-based): chr6:152,336,958, G>A on the plus strand (C>T on the coding strand, the complement: SYNE1 is on the minus strand). VCF-style: chr6-152336958-G-A. GRCh37 (hg19) VCF-style: chr6-152658093-G-A.
Other names: p.His4066=; c.12198C>T, p.His4066= (NM_033071.5).
Identifiers: ClinVar variation 285297 (VCV000285297.23), dbSNP rs751325537, ClinGen allele CA4056398.
Genomic context (GRCh38, chr6:152,336,958, plus strand): 5'-CTTCATGTTCTGCAGTTGCTGATCAGCATCTTGCAGGTAAATCCAGAGCTCAGACTTCAG[G>A]TGCTTGATCTCTTCCCAGCCCTGAGTTAAGTTCTGGGCCTGGACAAGCTTTTGTTCAATC-3'
Protein context (NP_892006.3, residues 4127-4147): NLTQGWEEIK[His4137=]LKSELWIYLQ

ClinVar aggregate classification (germline): Benign/Likely benign. Review status: criteria provided, multiple submitters, no conflicts (2 of 4 stars). 7 submissions from 7 submitters: Benign (5); Likely benign (2). Last evaluated 2026-07-01.

Conditions:
Autosomal recessive ataxia, Beauce type. Also called: ATAXIA, RECESSIVE, OF BEAUCE; SYNE1-Related Autosomal Recessive Cerebellar Ataxia; Spinocerebellar ataxia, autosomal recessive 8; SYNE1 Deficiency. Identifiers: Orphanet 88644, MedGen C1853116, MONDO:0012549, OMIM 610743.
Emery-Dreifuss muscular dystrophy 4, autosomal dominant (EDMD4). Also called: EMERY-DREIFUSS MUSCULAR DYSTROPHY 4 WITH VARIABLE FEATURES. Identifiers: Orphanet 261, MedGen C2751807, MONDO:0013071, OMIM 612998.
Arthrogryposis multiplex congenita 3, myogenic type. Also called: ARTHROGRYPOSIS MULTIPLEX CONGENITA, MYOGENIC TYPE. Identifiers: MedGen C5193121, MONDO:0032778, OMIM 618484.

Allele frequency attached by ClinVar (database versions not stated): gnomAD 0.00034 and 0.00039; gnomAD exomes 0.00044 and 0.00223; TOPMed 0.00110; ExAC 0.00191.
gnomAD v4.1: 671 of 1,613,946 alleles (0.042%); highest among the groups gnomAD compares: Admixed American, 1.1%; 12 homozygotes.

Submissions (7):

CeGaT Center for Human Genetics Tuebingen
Classification: Likely benign. Last evaluated: 2026-07-01. Review status: criteria provided, single submitter. Criteria: CeGaT Center For Human Genetics Tuebingen Variant Classification Criteria Version 2. Collection method: clinical testing. Allele origin: germline. Affected: yes. Observed: 6 variant alleles.
Comment: SYNE1: BP4, BP7, BS1

Labcorp Genetics (formerly Invitae), Labcorp
Classification: Benign for Emery-Dreifuss muscular dystrophy 4, autosomal dominant; Autosomal recessive ataxia, Beauce type. Last evaluated: 2026-01-21. Review status: criteria provided, single submitter. Criteria: Invitae Variant Classification Sherloc (09022015). Collection method: clinical testing. Allele origin: germline.

Fulgent Genetics
Classification: Likely benign for Autosomal recessive ataxia, Beauce type; Emery-Dreifuss muscular dystrophy 4, autosomal dominant; Arthrogryposis multiplex congenita 3, myogenic type. Last evaluated: 2021-11-22. Review status: criteria provided, single submitter. Criteria: ACMG Guidelines, 2015. Collection method: clinical testing. Allele origin: unknown.

Mayo Clinic Laboratories, Mayo Clinic
Classification: Benign. Last evaluated: 2020-09-30. Review status: criteria provided, single submitter. Criteria: ACMG Guidelines, 2015. Collection method: clinical testing. Allele origin: germline. Observed: 5 variant alleles.

GeneDx
Classification: Benign. Last evaluated: 2018-06-18. Review status: criteria provided, single submitter. Criteria: GeneDx Variant Classification Process June 2021. Collection method: clinical testing. Allele origin: germline. Affected: yes.

Athena Diagnostics
Classification: Benign. Last evaluated: 2017-09-20. Review status: criteria provided, single submitter. Criteria: Athena Diagnostics Criteria. Collection method: clinical testing. Allele origin: germline.

Eurofins Ntd Llc (ga)
Classification: Benign. Last evaluated: 2015-12-31. Review status: criteria provided, single submitter. Criteria: EGL Classification Definitions 2015. Collection method: clinical testing. Allele origin: germline. Observed: 2 variant alleles, 2 heterozygotes.